The following is an entry in ClinVar:

NM_182919.4(TICAM1):c.1561G>A (p.Ala521Thr)

Gene: TICAM1 (TIR domain containing adaptor molecule 1; minus strand). Cytogenetic location: 19p13.3.
Variant type: single nucleotide variant.
Coding change: c.1561G>A on transcript NM_182919.4 (MANE Select); coding-DNA position 1561, G replaced by A.
Protein change: p.Ala521Thr; replaces alanine 521 with threonine.
Molecular consequence: missense variant.
Genome position (GRCh38, 1-based): chr19:4,816,817, C>T on the plus strand (G>A on the coding strand, the complement: TICAM1 is on the minus strand). VCF-style: chr19-4816817-C-T. GRCh37 (hg19) VCF-style: chr19-4816829-C-T.
Other names: c.1519G>A, p.Ala507Thr (NM_001385678.1); c.1426G>A, p.Ala476Thr (NM_001385679.1); c.919G>A, p.Ala307Thr (NM_001385680.1); short protein forms A521T, A307T, A476T, A507T.
Identifiers: ClinVar variation 784709 (VCV000784709.46), dbSNP rs150740529, ClinGen allele CA9105107.

ClinVar aggregate classification (germline): Likely benign. Review status: criteria provided, multiple submitters, no conflicts (2 of 4 stars). 4 submissions from 4 submitters: Likely benign (3). 1 of the submissions does not count toward it. Last evaluated 2026-02-01.

Conditions:
TICAM1-related disorder. Also called: TICAM1-related condition.
Encephalopathy, acute, infection-induced (herpes-specific), susceptibility to, 6. Also called: Herpes simplex encephalitis, susceptibility to, 4. Identifiers: Orphanet 1930, MedGen C3553869, MONDO:0013921, OMIM 614850.

Allele frequency attached by ClinVar (database versions not stated): 1000 Genomes Project 0.00020; TOPMed 0.00129; 1000 Genomes Project 30x 0.00016; ESP Exome Variant Server 0.00123.
gnomAD v4.1: 3,171 of 1,612,856 alleles (0.2%); highest among the groups gnomAD compares: Non-Finnish European, 0.24%; 7 homozygotes.

Submissions (4):

Labcorp Genetics (formerly Invitae), Labcorp
Classification: Likely benign for Encephalopathy, acute, infection-induced (herpes-specific), susceptibility to, 6. Last evaluated: 2026-02-01. Review status: criteria provided, single submitter. Criteria: Invitae Variant Classification Sherloc (09022015). Collection method: clinical testing. Allele origin: germline.

Blueprint Genetics
Classification: Likely benign. Last evaluated: 2024-10-28. Review status: criteria provided, single submitter. Criteria: ACMG Guidelines, 2015. Collection method: clinical testing. Allele origin: germline.

CeGaT Center for Human Genetics Tuebingen
Classification: Likely benign. Last evaluated: 2021-08-01. Review status: criteria provided, single submitter. Criteria: CeGaT Center For Human Genetics Tuebingen Variant Classification Criteria Version 2. Collection method: clinical testing. Allele origin: germline. Affected: yes. Observed: 1 variant allele.

PreventionGenetics, part of Exact Sciences
Classification: Likely benign for TICAM1-related condition. Last evaluated: 2024-02-20. Review status: no assertion criteria provided. Collection method: clinical testing. Allele origin: germline. Not counted in ClinVar's aggregate classification.
Comment: This variant is classified as likely benign based on ACMG/AMP sequence variant interpretation guidelines (Richards et al. 2015 PMID: 25741868, with internal and published modifications).